The following is an entry in ClinVar:

ClinVar aggregate classification (germline): Uncertain significance (1 of 4 stars; one submission).

Submission:

GeneDx
Classification: Uncertain significance. Last evaluated: 2020-08-19. Review status: criteria provided, single submitter. Criteria: GeneDx Variant Classification Process June 2021. Collection method: clinical testing. Allele origin: germline. Affected: yes.
Comment: Not observed in large population cohorts (Lek et al., 2016); In silico analysis, which includes protein predictors and evolutionary conservation, supports that this variant does not alter protein structure/function; Has not been previously published as pathogenic or benign to our knowledge

NM_015346.4(ZFYVE26):c.4015C>T (p.Leu1339Phe)

Gene: ZFYVE26 (zinc finger FYVE-type containing 26; minus strand). Cytogenetic location: 14q24.1.
Variant type: single nucleotide variant.
Coding change: c.4015C>T on transcript NM_015346.4 (MANE Select); coding-DNA position 4015, C replaced by T.
Protein change: p.Leu1339Phe; replaces leucine 1339 with phenylalanine.
Molecular consequence: missense variant.
Genome position (GRCh38, 1-based): chr14:67,783,137, G>A on the plus strand (C>T on the coding strand, the complement: ZFYVE26 is on the minus strand). VCF-style: chr14-67783137-G-A. GRCh37 (hg19) VCF-style: chr14-68249854-G-A.
Other names: short protein forms L1339F.
Identifiers: ClinVar variation 1305990 (VCV001305990.2), dbSNP rs2140223225, ClinGen allele CA390171011.